The following is an entry in ClinVar:

ClinVar aggregate classification (germline): Uncertain significance (1 of 4 stars; one submission).

Allele frequency attached by ClinVar (database versions not stated): TOPMed 0.00001.

Submission:

Labcorp Genetics (formerly Invitae), Labcorp
Classification: Uncertain significance. Last evaluated: 2022-08-06. Review status: criteria provided, single submitter. Criteria: Invitae Variant Classification Sherloc (09022015). Collection method: clinical testing. Allele origin: germline.
Comment: This sequence change replaces serine, which is neutral and polar, with leucine, which is neutral and non-polar, at codon 173 of the DLL3 protein (p.Ser173Leu). This variant is not present in population databases (gnomAD no frequency). This variant has not been reported in the literature in individuals affected with DLL3-related conditions. Algorithms developed to predict the effect of missense changes on protein structure and function are either unavailable or do not agree on the potential impact of this missense change (SIFT: "Deleterious"; PolyPhen-2: "Possibly Damaging"; Align-GVGD: "Class C0"). In summary, the available evidence is currently insufficient to determine the role of this variant in disease. Therefore, it has been classified as a Variant of Uncertain Significance.

NM_203486.3(DLL3):c.518C>T (p.Ser173Leu)

Genes: DLL3 (delta like canonical Notch ligand 3; plus strand), LOC130064417 (ATAC-STARR-seq lymphoblastoid silent region 10608; plus strand). Cytogenetic location: 19q13.2.
Variant type: single nucleotide variant.
Coding change: c.518C>T on transcript NM_203486.3 (MANE Select); coding-DNA position 518, C replaced by T.
Protein change: p.Ser173Leu; replaces serine 173 with leucine.
Molecular consequence: missense variant.
Genome position (GRCh38, 1-based): chr19:39,502,923, C>T. VCF-style: chr19-39502923-C-T. GRCh37 (hg19) VCF-style: chr19-39993563-C-T.
Other names: c.518C>T, p.Ser173Leu (NM_016941.4); short protein forms S173L.
Identifiers: ClinVar variation 1945505 (VCV001945505.2), dbSNP rs760217365, ClinGen allele CA308252179.